The following is an entry in ClinVar:

NM_001243925.2(MAPKAPK3):c.478C>T (p.His160Tyr)

Gene: MAPKAPK3 (MAPK activated protein kinase 3; plus strand). Cytogenetic location: 3p21.2.
Variant type: single nucleotide variant.
Coding change: c.478C>T on transcript NM_001243925.2 (MANE Select); coding-DNA position 478, C replaced by T.
Protein change: p.His160Tyr; replaces histidine 160 with tyrosine.
Molecular consequence: missense variant.
Genome position (GRCh38, 1-based): chr3:50,642,306, C>T. VCF-style: chr3-50642306-C-T. GRCh37 (hg19) VCF-style: chr3-50679737-C-T.
Other names: c.478C>T, p.His160Tyr (NM_001243926.2, NM_004635.5); short protein forms H160Y.
Identifiers: ClinVar variation 4763514 (VCV004763514.1).

ClinVar aggregate classification (germline): Uncertain significance (1 of 4 stars; one submission).

gnomAD v4.1: 4 of 1,577,542 alleles (0.00025%); highest among the groups gnomAD compares: Admixed American, 0.0071%; no homozygotes.

Submission:

Labcorp Genetics (formerly Invitae), Labcorp
Classification: Uncertain significance. Last evaluated: 2025-10-21. Review status: criteria provided, single submitter. Criteria: Invitae Variant Classification Sherloc (09022015). Collection method: clinical testing. Allele origin: germline.
Comment: This sequence change replaces histidine, which is basic and polar, with tyrosine, which is neutral and polar, at codon 160 of the MAPKAPK3 protein (p.His160Tyr). This variant is present in population databases (rs746971211, gnomAD 0.009%). This variant has not been reported in the literature in individuals affected with MAPKAPK3-related conditions. An algorithm developed to predict the effect of missense changes on protein structure and function (PolyPhen-2) suggests that this variant is likely to be tolerated. In summary, the available evidence is currently insufficient to determine the role of this variant in disease. Therefore, it has been classified as a Variant of Uncertain Significance.